The following is an entry in ClinVar:

NM_001374736.1(DST):c.3060+6T>C

Gene: DST (dystonin; minus strand). Cytogenetic location: 6p12.1.
Variant type: single nucleotide variant.
Coding change: c.3060+6T>C on transcript NM_001374736.1 (MANE Select); 6 bases into the intron after coding-DNA position 3060, T replaced by C.
Molecular consequence: intron variant.
Genome position (GRCh38, 1-based): chr6:56,636,551, A>G on the plus strand (T>C on the coding strand, the complement: DST is on the minus strand). VCF-style: chr6-56636551-A-G. GRCh37 (hg19) VCF-style: chr6-56501349-A-G.
Other names: c.2961+6T>C (NM_001144769.5); c.3060+6T>C (NM_001374722.1); c.3087+6T>C (NM_001374734.1); c.2547+6T>C (NM_001144770.2); c.2427+6T>C (NM_001374730.1, NM_001386100.1, NM_183380.4 and 1 more transcripts); c.1449+6T>C (NM_015548.5, NM_001723.7).
Identifiers: ClinVar variation 541452 (VCV000541452.8), dbSNP rs531313667, ClinGen allele CA3871248.

ClinVar aggregate classification (germline): Uncertain significance. Review status: criteria provided, single submitter (1 of 4 stars). 2 submissions from 2 submitters: Uncertain significance (1). 1 of the submissions does not count toward it. Last evaluated 2022-06-25.

Conditions:
DST-related disorder. Also called: DST-related condition; DST-related disorders.
Hereditary sensory and autonomic neuropathy type 6. Also called: HSAN VI; Neuropathy, hereditary sensory and autonomic, type VI. Identifiers: Orphanet 314381, MedGen C3539003, MONDO:0013839, OMIM 614653.
Epidermolysis bullosa simplex 3, localized or generalized intermediate, with BP230 deficiency (EBS3). Also called: Epidermolysis bullosa simplex, autosomal recessive 2; Epidermolysis bullosa simplex due to BP230 deficiency. Identifiers: Orphanet 412181, MedGen C3809470, MONDO:0014180, OMIM 615425.

Allele frequency attached by ClinVar (database versions not stated): gnomAD 0.00006; TOPMed 0.00006; ExAC 0.00007; gnomAD exomes 0.00007 and 0.00021.
gnomAD v4.1: 307 of 1,610,142 alleles (0.019%); highest among the groups gnomAD compares: Non-Finnish European, 0.026%; 1 homozygote.

Submissions (2):

Labcorp Genetics (formerly Invitae), Labcorp
Classification: Uncertain significance for Epidermolysis bullosa simplex 3, localized or generalized intermediate, with BP230 deficiency; Hereditary sensory and autonomic neuropathy type 6. Last evaluated: 2022-06-25. Review status: criteria provided, single submitter. Criteria: Invitae Variant Classification Sherloc (09022015). Collection method: clinical testing. Allele origin: germline.
Comment: This sequence change falls in intron 9 of the DST gene. It does not directly change the encoded amino acid sequence of the DST protein. It affects a nucleotide within the consensus splice site. This variant is present in population databases (rs531313667, gnomAD 0.01%). This variant has not been reported in the literature in individuals affected with DST-related conditions. ClinVar contains an entry for this variant (Variation ID: 541452). Variants that disrupt the consensus splice site are a relatively common cause of aberrant splicing (PMID: 17576681, 9536098). Algorithms developed to predict the effect of sequence changes on RNA splicing suggest that this variant may disrupt the consensus splice site. In summary, the available evidence is currently insufficient to determine the role of this variant in disease. Therefore, it has been classified as a Variant of Uncertain Significance.

PreventionGenetics, part of Exact Sciences
Classification: Likely benign for DST-related condition. Last evaluated: 2024-07-09. Review status: no assertion criteria provided. Collection method: clinical testing. Allele origin: germline. Not counted in ClinVar's aggregate classification.
Comment: This variant is classified as likely benign based on ACMG/AMP sequence variant interpretation guidelines (Richards et al. 2015 PMID: 25741868, with internal and published modifications).

Literature cited by the submitters: PubMed 17576681 (cited by Labcorp Genetics (formerly Invitae), Labcorp); PubMed 9536098 (cited by Labcorp Genetics (formerly Invitae), Labcorp).